The following is an entry in ClinVar:

ClinVar aggregate classification (germline): Likely benign (1 of 4 stars; one submission).

Conditions:
Mitochondrial complex IV deficiency, nuclear type 1 (MC4DN1). Also called: COX DEFICIENCY; Mitochondrial complex IV deficiency; Complex 4 mitochondrial respiratory chain deficiency; Deficiency of mitochondrial respiratory chain complex4; Complex IV deficiency. Identifiers: MedGen C5435656, MONDO:0700250, OMIM 220110. Disease mechanism: loss of function.

Allele frequency attached by ClinVar (database versions not stated): gnomAD 0.00005 and 0.00086; TOPMed 0.00027; gnomAD exomes 0.00229; 1000 Genomes Project 0.00819; 1000 Genomes Project 30x 0.00859.
gnomAD v4.1: 1,277 of 669,682 alleles (0.19%); highest among the groups gnomAD compares: South Asian, 2.3%; 29 homozygotes.

Submission:

Illumina Laboratory Services, Illumina
Classification: Likely benign for Mitochondrial complex IV deficiency, nuclear type 1. Last evaluated: 2018-01-12. Review status: criteria provided, single submitter. Criteria: ICSL Variant Classification Criteria 13 December 2019. Collection method: clinical testing. Allele origin: germline.
Comment: This variant was observed in the ICSL laboratory as part of a predisposition screen in an ostensibly healthy population. It had not been previously curated by ICSL or reported in the Human Gene Mutation Database (HGMD: prior to June 1st, 2018), and was therefore a candidate for classification through an automated scoring system. Utilizing variant allele frequency, disease prevalence and penetrance estimates, and inheritance mode, an automated score was calculated to assess if this variant is too frequent to cause the disease. Based on the score and internal cut-off values, a variant classified as likely benign is not then subjected to further curation. The score for this variant resulted in a classification of likely benign for this disease.

NM_001136193.2(FASTKD2):c.*159C>A

Gene: FASTKD2 (FAST kinase domains 2; plus strand). Cytogenetic location: 2q33.3.
Variant type: single nucleotide variant.
Coding change: c.*159C>A on transcript NM_001136193.2 (MANE Select); 159 bases downstream of the stop codon, C replaced by A.
Molecular consequence: 3 prime UTR variant.
Genome position (GRCh38, 1-based): chr2:206,791,961, C>A. VCF-style: chr2-206791961-C-A. GRCh37 (hg19) VCF-style: chr2-207656685-C-A.
Other names: c.*159C>A (NM_001136194.2, NM_014929.4).
Identifiers: ClinVar variation 333812 (VCV000333812.5), dbSNP rs549535843, ClinGen allele CA10613977.